The following is an entry in ClinVar:

ClinVar aggregate classification (germline): Uncertain significance (1 of 4 stars; one submission).

Conditions:
Hereditary spastic paraplegia 11. Also called: Spastic Paraplegia 11; Spastic paraplegia, mental retardation and thin corpus callosum; Nakamura Osame syndrome; Autosomal recessive hereditary spastic paraplegia, mental impairment, and thin corpus callosum; SPASTIC PARAPLEGIA, AUTOSOMAL RECESSIVE, COMPLICATED, WITH THIN CORPUS CALLOSUM; SPASTIC PARAPLEGIA, AUTOSOMAL RECESSIVE, WITH MENTAL IMPAIRMENT AND THIN CORPUS CALLOSUM. Identifiers: Orphanet 2822, MedGen C1858479, MONDO:0011445, OMIM 604360.

Submission:

Labcorp Genetics (formerly Invitae), Labcorp
Classification: Uncertain significance for Hereditary spastic paraplegia 11. Last evaluated: 2022-06-15. Review status: criteria provided, single submitter. Criteria: Invitae Variant Classification Sherloc (09022015). Collection method: clinical testing. Allele origin: germline.
Comment: This sequence change replaces glycine, which is neutral and non-polar, with aspartic acid, which is acidic and polar, at codon 522 of the SPG11 protein (p.Gly522Asp). In summary, the available evidence is currently insufficient to determine the role of this variant in disease. Therefore, it has been classified as a Variant of Uncertain Significance. Algorithms developed to predict the effect of missense changes on protein structure and function output the following: SIFT: "Deleterious"; PolyPhen-2: "Probably Damaging"; Align-GVGD: "Class C0". The aspartic acid amino acid residue is found in multiple mammalian species, which suggests that this missense change does not adversely affect protein function. This variant has not been reported in the literature in individuals affected with SPG11-related conditions. This variant is not present in population databases (gnomAD no frequency).

NM_025137.4(SPG11):c.1565G>A (p.Gly522Asp)

Gene: SPG11 (SPG11 vesicle trafficking associated, spatacsin; minus strand). Cytogenetic location: 15q21.1.
Variant type: single nucleotide variant.
Coding change: c.1565G>A on transcript NM_025137.4 (MANE Select); coding-DNA position 1565, G replaced by A.
Protein change: p.Gly522Asp; replaces glycine 522 with aspartic acid.
Molecular consequence: missense variant.
Genome position (GRCh38, 1-based): chr15:44,648,903, C>T on the plus strand (G>A on the coding strand, the complement: SPG11 is on the minus strand). VCF-style: chr15-44648903-C-T. GRCh37 (hg19) VCF-style: chr15-44941101-C-T.
Other names: c.1565G>A, p.Gly522Asp (NM_001160227.2, NM_001411132.1); short protein forms G522D.
Identifiers: ClinVar variation 2134038 (VCV002134038.4), dbSNP rs2505710461, ClinGen allele CA392235535.
Genomic context (GRCh38, chr15:44,648,903, plus strand): 5'-TCTTGGGCATTTAATTCTGTTACCTCTAGTGCATGTATGGGAATTGAGCACCTTCCCCAG[C>T]CATTGAGATGACAAAGAGTGTCCACAGTGCTGGCACTTCCATGGATCATGAGTCTGTTTA-3'
Protein context (NP_079413.3, residues 512-532): STVDTLCHLN[Gly522Asp]WGRCSIPIHA